The following is an entry in ClinVar:

NM_001020658.2(PUM1):c.2993A>G (p.Gln998Arg)

Gene: PUM1 (pumilio RNA binding family member 1; minus strand). Cytogenetic location: 1p35.2.
Variant type: single nucleotide variant.
Coding change: c.2993A>G on transcript NM_001020658.2 (MANE Select); coding-DNA position 2993, A replaced by G.
Protein change: p.Gln998Arg; replaces glutamine 998 with arginine.
Molecular consequence: missense variant.
Genome position (GRCh38, 1-based): chr1:30,945,347, T>C on the plus strand (A>G on the coding strand, the complement: PUM1 is on the minus strand). VCF-style: chr1-30945347-T-C. GRCh37 (hg19) VCF-style: chr1-31418194-T-C.
Other names: c.2987A>G, p.Gln996Arg (NM_014676.3); short protein forms Q996R, Q998R.
Identifiers: ClinVar variation 3377980 (VCV003377980.1).
Genomic context (GRCh38, chr1:30,945,347, plus strand): 5'-GTTTTCTGCTCACAAAGGAAATAAATTTGTTTCCATTATTTCTCTCCTGGGTCACTTACC[T>C]GTCCCTTAAACGCATCGATGATAAATTGCAAAGACTGGGGCTGTACACATTCAATGCATT-3'
Protein context (NP_001018494.1, residues 988-1008): LQFIIDAFKG[Gln998Arg]VFALSTHPYG

ClinVar aggregate classification (germline): Uncertain significance (1 of 4 stars; one submission).

Submission:

GeneDx
Classification: Uncertain significance. Last evaluated: 2024-05-17. Review status: criteria provided, single submitter. Criteria: GeneDx Variant Classification Process June 2021. Collection method: clinical testing. Allele origin: germline. Affected: yes.
Comment: Not observed at significant frequency in large population cohorts (gnomAD); In silico analysis supports that this missense variant has a deleterious effect on protein structure/function; Has not been previously published as pathogenic or benign to our knowledge